The following is an entry in ClinVar:

ClinVar aggregate classification (germline): Conflicting classifications of pathogenicity. Review status: criteria provided, conflicting classifications (1 of 4 stars). 2 submissions from 2 submitters: Uncertain significance (1); Likely benign (1). Last evaluated 2025-04-07.

Conditions:
Fanconi anemia (FA). Also called: Fanconi's anemia. Identifiers: Orphanet 84, MedGen C0015625, MeSH D005199, MONDO:0019391.

Allele frequency attached by ClinVar (database versions not stated): gnomAD 0.00010 and 0.00011; ESP Exome Variant Server 0.00031.
gnomAD v4.1: 34 of 1,579,982 alleles (0.0022%); highest among the groups gnomAD compares: African/African-American, 0.042%; no homozygotes.

Submissions (2):

Labcorp Genetics (formerly Invitae), Labcorp
Classification: Likely benign for Fanconi anemia. Last evaluated: 2025-04-07. Review status: criteria provided, single submitter. Criteria: Invitae Variant Classification Sherloc (09022015). Collection method: clinical testing. Allele origin: germline.

Sema4
Classification: Uncertain significance for Fanconi anemia. Last evaluated: 2021-05-30. Review status: criteria provided, single submitter. Criteria: Sema4 Curation Guidelines. Collection method: curation. Allele origin: germline.
Comment: The FANCI c.2890-13C>T variant has not been reported in the literature to our knowledge. It was observed in 12/24964 chromosomes of the African/African American subpopulation, with no homozygotes, in the large and broad cohorts of the Genome Aggregation Database (PMID: 32461654). The variant has not been reported in ClinVar. The evidence is insufficient to meet ACMG/AMP criteria for classifying the variant as benign or pathogenic. Thus, the clinical significance of this variant is currently uncertain.

NM_001113378.2(FANCI):c.2890-13C>T

Gene: FANCI (FA complementation group I; plus strand). Cytogenetic location: 15q26.1.
Variant type: single nucleotide variant.
Coding change: c.2890-13C>T on transcript NM_001113378.2 (MANE Select); 13 bases into the intron before coding-DNA position 2890, C replaced by T.
Molecular consequence: intron variant.
Genome position (GRCh38, 1-based): chr15:89,301,313, C>T. VCF-style: chr15-89301313-C-T. GRCh37 (hg19) VCF-style: chr15-89844544-C-T.
Other names: c.2710-13C>T (NM_018193.3); c.2890-13C>T (NM_001376911.1); c.2611-13C>T (NM_001376910.1).
Identifiers: ClinVar variation 1671639 (VCV001671639.9), dbSNP rs377269890, ClinGen allele CA7723513.